The following is an entry in ClinVar:

NM_000057.4(BLM):c.2155C>T (p.Leu719Phe)

Gene: BLM (BLM RecQ like helicase; plus strand). Cytogenetic location: 15q26.1.
Variant type: single nucleotide variant.
Coding change: c.2155C>T on transcript NM_000057.4 (MANE Select); coding-DNA position 2155, C replaced by T.
Protein change: p.Leu719Phe; replaces leucine 719 with phenylalanine.
Molecular consequence: missense variant.
Genome position (GRCh38, 1-based): chr15:90,765,376, C>T. VCF-style: chr15-90765376-C-T. GRCh37 (hg19) VCF-style: chr15-91308606-C-T.
Other names: p.L719F:CTT>TTT; c.2155C>T, p.Leu719Phe (NM_001287246.2, NM_001287247.2); c.1030C>T, p.Leu344Phe (NM_001287248.2); c.2155C>T (LRG_20t1); short protein forms L719F, L344F.
Identifiers: ClinVar variation 127483 (VCV000127483.11), dbSNP rs587779881, ClinGen allele CA287065.
Genomic context (GRCh38, chr15:90,765,376, plus strand): 5'-TACCAGCTCCCTGCCTGTGTTTCTCCTGGGGTCACTGTTGTCATTTCTCCCTTGAGATCA[C>T]TTATCGTAGATCAAGTCCAAAAGCTGACTTCCTTGGATGTAAGTTATAAAAATACTAATA-3'
Protein context (NP_000048.1, residues 709-729): VTVVISPLRS[Leu719Phe]IVDQVQKLTS

ClinVar aggregate classification (germline): Uncertain significance. Review status: criteria provided, multiple submitters, no conflicts (2 of 4 stars). 4 submissions from 4 submitters: Uncertain significance (3). 1 of the submissions does not count toward it. Last evaluated 2025-07-10.

Conditions:
Hereditary cancer-predisposing syndrome. Also called: Hereditary Cancer Syndrome; Hereditary neoplastic syndrome; Tumor predisposition; Neoplastic Syndromes, Hereditary. Identifiers: Orphanet 140162, MedGen C0027672, MeSH D009386, MONDO:0015356.
Bloom syndrome (BLM). Also called: Bloom-Torre-Machacek syndrome. Identifiers: Orphanet 125, MedGen C0005859, MONDO:0008876, OMIM 210900.

Submissions (4):

Labcorp Genetics (formerly Invitae), Labcorp
Classification: Uncertain significance for Bloom syndrome. Last evaluated: 2025-07-10. Review status: criteria provided, single submitter. Criteria: Invitae Variant Classification Sherloc (09022015). Collection method: clinical testing. Allele origin: germline.
Comment: This sequence change replaces leucine, which is neutral and non-polar, with phenylalanine, which is neutral and non-polar, at codon 719 of the BLM protein (p.Leu719Phe). This variant is not present in population databases (gnomAD no frequency). This variant has not been reported in the literature in individuals affected with BLM-related conditions. ClinVar contains an entry for this variant (Variation ID: 127483). Invitae Evidence Modeling of protein sequence and biophysical properties (such as structural, functional, and spatial information, amino acid conservation, physicochemical variation, residue mobility, and thermodynamic stability) indicates that this missense variant is expected to disrupt BLM protein function with a positive predictive value of 80%. In summary, the available evidence is currently insufficient to determine the role of this variant in disease. Therefore, it has been classified as a Variant of Uncertain Significance.

Ambry Genetics
Classification: Uncertain significance for Hereditary cancer-predisposing syndrome. Last evaluated: 2024-10-17. Review status: criteria provided, single submitter. Criteria: Ambry Variant Classification Scheme 2023. Collection method: clinical testing. Allele origin: germline.
Comment: The p.L719F variant (also known as c.2155C>T), located in coding exon 8 of the BLM gene, results from a C to T substitution at nucleotide position 2155. The leucine at codon 719 is replaced by phenylalanine, an amino acid with highly similar properties. This amino acid position is conserved. In addition, this alteration is predicted to be deleterious by in silico analysis. Since supporting evidence is limited at this time, the clinical significance of this alteration remains unclear.

GeneDx
Classification: Uncertain significance. Last evaluated: 2014-02-12. Review status: criteria provided, single submitter. Criteria: GeneDx Variant Classification (06012015). Collection method: clinical testing. Allele origin: germline. Affected: yes.
Comment: Single pathogenic variants in BLM have only recently been described in association with cancer predisposition and the risks are not well understood. This variant is denoted BLM c.2155C>T at the cDNA level, p.Leu719Phe (L719F) at the protein level, and results in the change of a Leucine to a Phenylalanine (CTT>TTT). This variant has not, to our knowledge, been published in the literature as pathogenic or benign. BLM Leu719Phe was not observed in approximately 6,500 individuals of European and African American ancestry in the NHLBI Exome Sequencing Project, indicating it is not a common benign variant in these populations. This variant is a conservative substitution of one neutral non-polar amino acid for another, altering a position that is well conserved throughout evolution and is located in the Helicase ATP-binding domain (UniProt). Multiple in silico algorithms predict that this variant may be damaging to protein structure and function. On a molecular level, the impact of this missense variant on protein structure and function is not known and thus we consider this to be a variant of uncertain significance. Furthermore, based on the currently available information, cancer risks associated with this variant, and with single variants the BLM gene in general, remain unclear.

Natera, Inc.
Classification: Uncertain significance for Bloom syndrome. Last evaluated: 2020-01-24. Review status: no assertion criteria provided. Collection method: clinical testing. Allele origin: germline. Not counted in ClinVar's aggregate classification.